The following is an entry in ClinVar:

ClinVar aggregate classification (germline): Likely benign. Review status: criteria provided, single submitter (1 of 4 stars). 2 submissions from 2 submitters: Likely benign (1). 1 of the submissions does not count toward it. Last evaluated 2025-12-15.

Conditions:
TMEM94-related disorder. Also called: TMEM94-related condition.
Inborn genetic diseases. Identifiers: MedGen C0950123, MeSH D030342.

Allele frequency attached by ClinVar (database versions not stated): TOPMed 0.00011; gnomAD exomes 0.00017; gnomAD 0.00025; ExAC 0.00040; 1000 Genomes Project 0.00140; 1000 Genomes Project 30x 0.00141.
gnomAD v4.1: 283 of 1,614,048 alleles (0.018%); highest among the groups gnomAD compares: South Asian, 0.25%; 2 homozygotes.

Submissions (2):

Ambry Genetics
Classification: Likely benign for Inborn genetic diseases. Last evaluated: 2025-12-15. Review status: criteria provided, single submitter. Criteria: Ambry Variant Classification Scheme 2023. Collection method: clinical testing. Allele origin: germline.

PreventionGenetics, part of Exact Sciences
Classification: Likely benign for TMEM94-related condition. Last evaluated: 2022-09-20. Review status: no assertion criteria provided. Collection method: clinical testing. Allele origin: germline. Not counted in ClinVar's aggregate classification.
Comment: This variant is classified as likely benign based on ACMG/AMP sequence variant interpretation guidelines (Richards et al. 2015 PMID: 25741868, with internal and published modifications).

NM_014738.6(TMEM94):c.1457G>A (p.Arg486His)

Gene: TMEM94 (transmembrane protein 94; plus strand). Cytogenetic location: 17q25.1.
Variant type: single nucleotide variant.
Coding change: c.1457G>A on transcript NM_014738.6 (MANE Select); coding-DNA position 1457, G replaced by A.
Protein change: p.Arg486His; replaces arginine 486 with histidine.
Molecular consequence: missense variant.
Genome position (GRCh38, 1-based): chr17:75,491,761, G>A. VCF-style: chr17-75491761-G-A. GRCh37 (hg19) VCF-style: chr17-73487842-G-A.
Other names: c.1487G>A, p.Arg496His (NM_001321148.2, NM_001351203.2); c.1469G>A, p.Arg490His (NM_001321149.2); c.1457G>A, p.Arg486His (NM_001351202.2); c.1457G>A (NM_014738.4); short protein forms R486H, R490H, R496H.
Identifiers: ClinVar variation 3045337 (VCV003045337.3), dbSNP rs565448820, ClinGen allele CA8761860.
Genomic context (GRCh38, chr17:75,491,761, plus strand): 5'-GAGACGCCCTCCTGGCTGGCTCCCTGAACAACACCCTGCACCTTTCCAATGAGCAGGAGC[G>A]TGGCGACTGGCCTGGCGAGGCTCCCAAGCCCCCCGAGCCCTATTCACACCACAAAGCGCA-3'
Protein context (NP_055553.3, residues 476-496): NTLHLSNEQE[Arg486His]GDWPGEAPKP